The following is an entry in ClinVar:

ClinVar aggregate classification (germline): Benign (1 of 4 stars; one submission).

Conditions:
Renal hypomagnesemia 5 with ocular involvement. Also called: FHHNC WITH SEVERE OCULAR INVOLVEMENT; HYPOMAGNESEMIA, FAMILIAL, WITH HYPERCALCIURIA, NEPHROCALCINOSIS, AND SEVERE OCULAR INVOLVEMENT; MACULAR COLOBOMA, BILATERAL, WITH HYPERCALCIURIA; HYPOMAGNESEMIA 5, RENAL, WITH OR WITHOUT OCULAR INVOLVEMENT. Identifiers: Orphanet 2196, MedGen C4721891, MONDO:0009548, OMIM 248190.

Allele frequency attached by ClinVar (database versions not stated): 1000 Genomes Project 30x 0.01827; 1000 Genomes Project 0.01977; TOPMed 0.02073; gnomAD 0.02096 and 0.02117; gnomAD exomes 0.02239.
gnomAD v4.1: 3,307 of 152,634 alleles (2.2%); highest among the groups gnomAD compares: South Asian, 5%; 65 homozygotes.

Submissions (2):

Illumina Laboratory Services, Illumina
Classification: Benign for Renal hypomagnesemia 5 with ocular involvement. Last evaluated: 2018-01-13. Review status: criteria provided, single submitter. Criteria: ICSL Variant Classification Criteria 13 December 2019. Collection method: clinical testing. Allele origin: germline.
Comment: This variant was observed in the ICSL laboratory as part of a predisposition screen in an ostensibly healthy population. It had not been previously curated by ICSL or reported in the Human Gene Mutation Database (HGMD: prior to June 1st, 2018), and was therefore a candidate for classification through an automated scoring system. Utilizing variant allele frequency, disease prevalence and penetrance estimates, and inheritance mode, an automated score was calculated to assess if this variant is too frequent to cause the disease. Based on the score and internal cut-off values, a variant classified as benign is not then subjected to further curation. The score for this variant resulted in a classification of benign for this disease.

Dr. Peter K. Rogan Lab, Western University
No classification provided (evidence only). Condition: Ovarian serous cystadenocarcinoma. Review status: no classification provided. Collection method: in vitro. Allele origin: not applicable. Functional consequence: retained intron. Not counted in ClinVar's aggregate classification.

NM_148960.3(CLDN19):c.*1018G>T

Gene: CLDN19 (claudin 19; minus strand). Cytogenetic location: 1p34.2.
Variant type: single nucleotide variant.
Coding change: c.*1018G>T on transcript NM_148960.3 (MANE Select); 1018 bases downstream of the stop codon, G replaced by T.
Molecular consequence: 3 prime UTR variant.
Genome position (GRCh38, 1-based): chr1:42,734,068, C>A on the plus strand (G>T on the coding strand, the complement: CLDN19 is on the minus strand). VCF-style: chr1-42734068-C-A. GRCh37 (hg19) VCF-style: chr1-43199739-C-A.
Other names: NC_000001.10:g.43199739C>A; c.*1800G>T (NM_001123395.2); c.*1694G>T (NM_001185117.2).
Identifiers: ClinVar variation 297325 (VCV000297325.6), dbSNP rs114944537, ClinGen allele CA10610221.